The following is an entry in ClinVar:

ClinVar aggregate classification (germline): Uncertain significance (1 of 4 stars; one submission).

Conditions:
Cardiomyopathy (CMYO). Also called: Cardiomyopathies. Identifiers: Orphanet 167848, MedGen C0878544, MONDO:0004994, HP:0001638. Inheritance: Various modes of inheritance.

Submission:

Color Diagnostics, LLC DBA Color Health
Classification: Uncertain significance for Cardiomyopathy. Last evaluated: 2025-06-17. Review status: criteria provided, single submitter. Criteria: ACMG Guidelines, 2015. Collection method: clinical testing. Allele origin: germline.
Comment: This missense variant replaces methionine with leucine at codon 670 of the DSP protein. Computational prediction suggests that this variant may not impact protein structure and function. To our knowledge, functional studies have not been reported for this variant. This variant has not been reported in individuals affected with DSP-related disorders in the literature. This variant has not been identified in the general population by the Genome Aggregation Database (gnomAD). The available evidence is insufficient to determine the role of this variant in disease conclusively. Therefore, this variant is classified as a Variant of Uncertain Significance.

NM_004415.4(DSP):c.2008A>T (p.Met670Leu)

Gene: DSP (desmoplakin; plus strand). Cytogenetic location: 6p24.3.
Variant type: single nucleotide variant.
Coding change: c.2008A>T on transcript NM_004415.4 (MANE Select); coding-DNA position 2008, A replaced by T.
Protein change: p.Met670Leu; replaces methionine 670 with leucine.
Molecular consequence: missense variant.
Genome position (GRCh38, 1-based): chr6:7,571,946, A>T. VCF-style: chr6-7571946-A-T. GRCh37 (hg19) VCF-style: chr6-7572179-A-T.
Other names: c.2008A>T, p.Met670Leu (NM_001008844.3, NM_001319034.2); short protein forms M670L.
Identifiers: ClinVar variation 4758383 (VCV004758383.1).